The following is an entry in ClinVar:

ClinVar aggregate classification (germline): Benign (1 of 4 stars; one submission).

Allele frequency attached by ClinVar (database versions not stated): gnomAD 0.00778; 1000 Genomes Project 30x 0.00359; 1000 Genomes Project 0.00379; ExAC 0.00615; TOPMed 0.00666.
gnomAD v4.1: 4,121 of 470,826 alleles (0.88%); highest among the groups gnomAD compares: Middle Eastern, 1.2%; 35 homozygotes.

Submission:

CeGaT Center for Human Genetics Tuebingen
Classification: Benign. Last evaluated: 2023-07-01. Review status: criteria provided, single submitter. Criteria: CeGaT Center For Human Genetics Tuebingen Variant Classification Criteria Version 2. Collection method: clinical testing. Allele origin: germline. Affected: yes. Observed: 1 variant allele.
Comment: HMCN2: BP4, BS1, BS2

NM_001291815.2(HMCN2):c.612+7A>C

Gene: HMCN2 (hemicentin 2; plus strand). Cytogenetic location: 9q34.11.
Variant type: single nucleotide variant.
Coding change: c.612+7A>C on transcript NM_001291815.2 (MANE Select); 7 bases into the intron after coding-DNA position 612, A replaced by C.
Molecular consequence: intron variant.
Genome position (GRCh38, 1-based): chr9:130,286,317, A>C. VCF-style: chr9-130286317-A-C. GRCh37 (hg19) VCF-style: chr9-133048596-A-C.
Identifiers: ClinVar variation 2659580 (VCV002659580.24), dbSNP rs150947458, ClinGen allele CA5281789.